The following is an entry in ClinVar:

ClinVar aggregate classification (germline): Uncertain significance (1 of 4 stars; one submission).

Conditions:
Emery-Dreifuss muscular dystrophy 5, autosomal dominant (EDMD5). Also called: EMERY-DREIFUSS MUSCULAR DYSTROPHY 5. Identifiers: Orphanet 261, MedGen C2751805, MONDO:0013072, OMIM 612999.

Submission:

Labcorp Genetics (formerly Invitae), Labcorp
Classification: Uncertain significance for Emery-Dreifuss muscular dystrophy 5, autosomal dominant. Last evaluated: 2023-12-09. Review status: criteria provided, single submitter. Criteria: Invitae Variant Classification Sherloc (09022015). Collection method: clinical testing. Allele origin: germline.
Comment: This sequence change replaces glutamic acid, which is acidic and polar, with glutamine, which is neutral and polar, at codon 2862 of the SYNE2 protein (p.Glu2862Gln). This variant is not present in population databases (gnomAD no frequency). This variant has not been reported in the literature in individuals affected with SYNE2-related conditions. Algorithms developed to predict the effect of missense changes on protein structure and function output the following: SIFT: "Not Available"; PolyPhen-2: "Benign"; Align-GVGD: "Not Available". The glutamine amino acid residue is found in multiple mammalian species, which suggests that this missense change does not adversely affect protein function. In summary, the available evidence is currently insufficient to determine the role of this variant in disease. Therefore, it has been classified as a Variant of Uncertain Significance.

NM_182914.3(SYNE2):c.8584G>C (p.Glu2862Gln)

Gene: SYNE2 (spectrin repeat containing nuclear envelope protein 2; plus strand). Cytogenetic location: 14q23.2.
Variant type: single nucleotide variant.
Coding change: c.8584G>C on transcript NM_182914.3 (MANE Select); coding-DNA position 8584, G replaced by C.
Protein change: p.Glu2862Gln; replaces glutamic acid 2862 with glutamine.
Molecular consequence: missense variant.
Genome position (GRCh38, 1-based): chr14:64,052,497, G>C. VCF-style: chr14-64052497-G-C. GRCh37 (hg19) VCF-style: chr14-64519215-G-C.
Other names: c.8584G>C, p.Glu2862Gln (NM_015180.6); short protein forms E2862Q.
Identifiers: ClinVar variation 2765871 (VCV002765871.3), dbSNP rs2548324023, ClinGen allele CA389968725.